The following is an entry in ClinVar:

NM_014946.4(SPAST):c.311C>T (p.Ala104Val)

Gene: SPAST (spastin; plus strand). Cytogenetic location: 2p22.3.
Variant type: single nucleotide variant.
Coding change: c.311C>T on transcript NM_014946.4 (MANE Select); coding-DNA position 311, C replaced by T.
Protein change: p.Ala104Val; replaces alanine 104 with valine.
Molecular consequence: missense variant.
Genome position (GRCh38, 1-based): chr2:32,064,142, C>T. VCF-style: chr2-32064142-C-T. GRCh37 (hg19) VCF-style: chr2-32289211-C-T.
Other names: c.311C>T, p.Ala104Val (NM_001363823.2, NM_001363875.2, NM_001377959.1 and 1 more transcripts); short protein forms A104V.
Identifiers: ClinVar variation 3709190 (VCV003709190.3).

ClinVar aggregate classification (germline): Uncertain significance. Review status: criteria provided, multiple submitters, no conflicts (2 of 4 stars). 2 submissions from 2 submitters: Uncertain significance (2). Last evaluated 2025-11-03.

Conditions:
Hereditary spastic paraplegia 4. Also called: Spastic Paraplegia 4; Familial spastic paraplegia autosomal dominant 2; Spastic paraplegia 4, autosomal dominant. Identifiers: Orphanet 100985, MedGen C1866855, MONDO:0008438, OMIM 182601.
Inborn genetic diseases. Identifiers: MedGen C0950123, MeSH D030342.

Submissions (2):

Ambry Genetics
Classification: Uncertain significance for Inborn genetic diseases. Last evaluated: 2025-11-03. Review status: criteria provided, single submitter. Criteria: Ambry Variant Classification Scheme 2023. Collection method: clinical testing. Allele origin: germline.

Labcorp Genetics (formerly Invitae), Labcorp
Classification: Uncertain significance for Hereditary spastic paraplegia 4. Last evaluated: 2024-12-12. Review status: criteria provided, single submitter. Criteria: Invitae Variant Classification Sherloc (09022015). Collection method: clinical testing. Allele origin: germline.
Comment: This sequence change replaces alanine, which is neutral and non-polar, with valine, which is neutral and non-polar, at codon 104 of the SPAST protein (p.Ala104Val). This variant is not present in population databases (gnomAD no frequency). This variant has not been reported in the literature in individuals affected with SPAST-related conditions. Invitae Evidence Modeling of protein sequence and biophysical properties (such as structural, functional, and spatial information, amino acid conservation, physicochemical variation, residue mobility, and thermodynamic stability) indicates that this missense variant is not expected to disrupt SPAST protein function with a negative predictive value of 95%. In summary, the available evidence is currently insufficient to determine the role of this variant in disease. Therefore, it has been classified as a Variant of Uncertain Significance.